The following is an entry in ClinVar:

ClinVar aggregate classification (germline): Uncertain significance (1 of 4 stars; one submission).

Allele frequency attached by ClinVar (database versions not stated): gnomAD exomes below 0.00001.
gnomAD v4.1: 3 of 1,610,610 alleles (0.00019%); highest among the groups gnomAD compares: Non-Finnish European, 0.00025%; no homozygotes.

Submission:

Labcorp Genetics (formerly Invitae), Labcorp
Classification: Uncertain significance. Last evaluated: 2022-11-08. Review status: criteria provided, single submitter. Criteria: Invitae Variant Classification Sherloc (09022015). Collection method: clinical testing. Allele origin: germline.
Comment: In summary, the available evidence is currently insufficient to determine the role of this variant in disease. Therefore, it has been classified as a Variant of Uncertain Significance. Advanced modeling of protein sequence and biophysical properties (such as structural, functional, and spatial information, amino acid conservation, physicochemical variation, residue mobility, and thermodynamic stability) performed at Invitae indicates that this missense variant is not expected to disrupt XRCC4 protein function. ClinVar contains an entry for this variant (Variation ID: 1345260). This variant has not been reported in the literature in individuals affected with XRCC4-related conditions. This variant is not present in population databases (gnomAD no frequency). This sequence change replaces valine, which is neutral and non-polar, with isoleucine, which is neutral and non-polar, at codon 122 of the XRCC4 protein (p.Val122Ile).

NM_003401.5(XRCC4):c.364G>A (p.Val122Ile)

Gene: XRCC4 (X-ray repair cross complementing 4; plus strand). Cytogenetic location: 5q14.2.
Variant type: single nucleotide variant.
Coding change: c.364G>A on transcript NM_003401.5 (MANE Select); coding-DNA position 364, G replaced by A.
Protein change: p.Val122Ile; replaces valine 122 with isoleucine.
Molecular consequence: missense variant.
Genome position (GRCh38, 1-based): chr5:83,195,818, G>A. VCF-style: chr5-83195818-G-A. GRCh37 (hg19) VCF-style: chr5-82491637-G-A.
Other names: c.364G>A, p.Val122Ile (NM_001318012.3, NM_001318013.2, NM_022406.5 and 1 more transcripts); short protein forms V122I.
Identifiers: ClinVar variation 1345260 (VCV001345260.6), dbSNP rs1750912626, ClinGen allele CA360358467.
Genomic context (GRCh38, chr5:83,195,818, plus strand): 5'-CTTTCATTTTAGTTCAGACTTGGTTCCTTCAACCTAGAGAAAGTTGAAAACCCAGCTGAA[G>A]TCATTAGAGAACTTATTTGTTATTGCTTGGACACCATTGCAGAAAATCAAGCCAAAAATG-3'
Protein context (NP_003392.1, residues 112-132): NLEKVENPAE[Val122Ile]IRELICYCLD